The following is an entry in ClinVar:

NM_033305.3(VPS13A):c.8326-2A>G

Gene: VPS13A (vacuolar protein sorting 13 homolog A; plus strand). Cytogenetic location: 9q21.2.
Variant type: single nucleotide variant.
Coding change: c.8326-2A>G on transcript NM_033305.3 (MANE Select); the canonical splice acceptor site of the intron before coding-DNA position 8326, A replaced by G.
Molecular consequence: splice acceptor variant.
Genome position (GRCh38, 1-based): chr9:77,366,725, A>G. VCF-style: chr9-77366725-A-G. GRCh37 (hg19) VCF-style: chr9-79981641-A-G.
Other names: c.8209-2A>G (NM_001018037.2); c.8326-2A>G (NM_015186.4, NM_001018038.3).
Identifiers: ClinVar variation 4062990 (VCV004062990.2).

ClinVar aggregate classification (germline): Likely pathogenic (1 of 4 stars; one submission).

Conditions:
VPS13A-related neurodegenerative disease. Also called: LEVINE-CRITCHLEY SYNDROME; Choreoacanthocytosis; Chorea-acanthocytosis; VPS13A Disease; Choreaacanthocytosis; ACANTHOCYTOSIS WITH NEUROLOGIC DISORDER. Identifiers: Orphanet 2388, MedGen C0393576, MONDO:0008695, OMIM 200150.

Submission:

Natera, Inc.
Classification: Likely pathogenic for Choreaacanthocytosis. Last evaluated: 2026-01-26. Review status: criteria provided, single submitter. Criteria: Natera Variant Classification Schema (03/2026). Collection method: clinical testing. Allele origin: germline.
Comment: The c.8326-2A>G variant in VPS13A is a canonical splice acceptor site variant predicted to affect pre-mRNA splicing, which may result in an abnormal transcript and altered protein product. This variant is expected to result in nonsense mediated decay, truncation, or a dysfunctional protein product. This variant is rare in the general population with a frequency below the threshold expected for the associated phenotype(s). Given the available evidence, this variant is classified as Likely Pathogenic.